The following is an entry in ClinVar:

ClinVar aggregate classification (germline): Uncertain significance (1 of 4 stars; one submission).

Allele frequency attached by ClinVar (database versions not stated): ExAC 0.00005; gnomAD exomes 0.00005; gnomAD 0.00007; TOPMed 0.00010; 1000 Genomes Project 30x 0.00031; 1000 Genomes Project 0.00040.
gnomAD v4.1: 87 of 1,614,126 alleles (0.0054%); highest among the groups gnomAD compares: East Asian, 0.036%; no homozygotes.

Submission:

Labcorp Genetics (formerly Invitae), Labcorp
Classification: Uncertain significance. Last evaluated: 2025-12-23. Review status: criteria provided, single submitter. Criteria: Invitae Variant Classification Sherloc (09022015). Collection method: clinical testing. Allele origin: germline.
Comment: This sequence change replaces glycine, which is neutral and non-polar, with serine, which is neutral and polar, at codon 242 of the OR2W3 protein (p.Gly242Ser). The frequency data for this variant in the population databases is considered unreliable, as metrics indicate poor data quality at this position in the gnomAD database. This variant has not been reported in the literature in individuals affected with OR2W3-related conditions. ClinVar contains an entry for this variant (Variation ID: 2053976). An algorithm developed to predict the effect of missense changes on protein structure and function (PolyPhen-2) suggests that this variant is likely to be tolerated. In summary, the available evidence is currently insufficient to determine the role of this variant in disease. Therefore, it has been classified as a Variant of Uncertain Significance.

NM_001001957.2(OR2W3):c.724G>A (p.Gly242Ser)

Gene: OR2W3 (olfactory receptor family 2 subfamily W member 3; plus strand). Cytogenetic location: 1q44.
Variant type: single nucleotide variant.
Coding change: c.724G>A on transcript NM_001001957.2 (MANE Select); coding-DNA position 724, G replaced by A.
Protein change: p.Gly242Ser; replaces glycine 242 with serine.
Molecular consequence: missense variant.
Genome position (GRCh38, 1-based): chr1:247,896,310, G>A. VCF-style: chr1-247896310-G-A. GRCh37 (hg19) VCF-style: chr1-248059612-G-A.
Other names: short protein forms G242S.
Identifiers: ClinVar variation 2053976 (VCV002053976.4), dbSNP rs369250388, ClinGen allele CA1498672.